The following is an entry in ClinVar:

ClinVar aggregate classification (germline): Uncertain significance. Review status: criteria provided, multiple submitters, no conflicts (2 of 4 stars). 2 submissions from 2 submitters: Uncertain significance (2). Last evaluated 2025-04-18.

Conditions:
Inborn genetic diseases. Identifiers: MedGen C0950123, MeSH D030342.

Allele frequency attached by ClinVar (database versions not stated): gnomAD 0.00001; TOPMed 0.00002.

Submissions (2):

Ambry Genetics
Classification: Uncertain significance for Inborn genetic diseases. Last evaluated: 2025-04-18. Review status: criteria provided, single submitter. Criteria: Ambry Variant Classification Scheme 2023. Collection method: clinical testing. Allele origin: germline.

Labcorp Genetics (formerly Invitae), Labcorp
Classification: Uncertain significance. Last evaluated: 2024-12-08. Review status: criteria provided, single submitter. Criteria: Invitae Variant Classification Sherloc (09022015). Collection method: clinical testing. Allele origin: germline.
Comment: This sequence change replaces threonine, which is neutral and polar, with serine, which is neutral and polar, at codon 115 of the DLL1 protein (p.Thr115Ser). This variant is present in population databases (no rsID available, gnomAD 0.002%). This variant has not been reported in the literature in individuals affected with DLL1-related conditions. ClinVar contains an entry for this variant (Variation ID: 2882727). An algorithm developed to predict the effect of missense changes on protein structure and function (PolyPhen-2) suggests that this variant is likely to be tolerated. In summary, the available evidence is currently insufficient to determine the role of this variant in disease. Therefore, it has been classified as a Variant of Uncertain Significance.

NM_005618.4(DLL1):c.343A>T (p.Thr115Ser)

Gene: DLL1 (delta like canonical Notch ligand 1; minus strand). Cytogenetic location: 6q27.
Variant type: single nucleotide variant.
Coding change: c.343A>T on transcript NM_005618.4 (MANE Select); coding-DNA position 343, A replaced by T.
Protein change: p.Thr115Ser; replaces threonine 115 with serine.
Molecular consequence: missense variant.
Genome position (GRCh38, 1-based): chr6:170,289,520, T>A on the plus strand (A>T on the coding strand, the complement: DLL1 is on the minus strand). VCF-style: chr6-170289520-T-A. GRCh37 (hg19) VCF-style: chr6-170598608-T-A.
Other names: c.343A>T (NM_005618.3); short protein forms T115S.
Identifiers: ClinVar variation 2882727 (VCV002882727.4), dbSNP rs961377263, ClinGen allele CA152196092.